The following is an entry in ClinVar:

ClinVar aggregate classification (germline): Likely pathogenic (1 of 4 stars; one submission).

Submission:

GeneDx
Classification: Likely pathogenic. Last evaluated: 2024-10-10. Review status: criteria provided, single submitter. Criteria: GeneDx Variant Classification Process June 2021. Collection method: clinical testing. Allele origin: germline. Affected: yes.
Comment: Observed with a second variant (phase unknown) in a patient with Usher syndrome in published literature (PMID: 27460420); Canonical splice site variant predicted to result in an in-frame loss of the adjacent exon in a gene for which loss of function is a known mechanism of disease; Not observed at significant frequency in large population cohorts (gnomAD); This variant is associated with the following publications: (PMID: 27460420)

NM_022124.6(CDH23):c.6829+2T>C

Gene: CDH23 (cadherin related 23; plus strand). Cytogenetic location: 10q22.1.
Variant type: single nucleotide variant.
Coding change: c.6829+2T>C on transcript NM_022124.6 (MANE Select); the canonical splice donor site of the intron after coding-DNA position 6829, T replaced by C.
Molecular consequence: splice donor variant.
Genome position (GRCh38, 1-based): chr10:71,797,222, T>C. VCF-style: chr10-71797222-T-C. GRCh37 (hg19) VCF-style: chr10-73556979-T-C.
Other names: c.109+2T>C (NM_001171933.1, NM_001171934.1).
Identifiers: ClinVar variation 3777309 (VCV003777309.1).